The following is an entry in ClinVar:

NM_052872.4(IL17F):c.25C>T (p.Pro9Ser)

Gene: IL17F (interleukin 17F; minus strand). Cytogenetic location: 6p12.2.
Variant type: single nucleotide variant.
Coding change: c.25C>T on transcript NM_052872.4 (MANE Select); coding-DNA position 25, C replaced by T.
Protein change: p.Pro9Ser; replaces proline 9 with serine.
Molecular consequence: missense variant.
Genome position (GRCh38, 1-based): chr6:52,244,405, G>A on the plus strand (C>T on the coding strand, the complement: IL17F is on the minus strand). VCF-style: chr6-52244405-G-A. GRCh37 (hg19) VCF-style: chr6-52109203-G-A.
Other names: short protein forms P9S.
Identifiers: ClinVar variation 3626283 (VCV003626283.2).

ClinVar aggregate classification (germline): Uncertain significance (1 of 4 stars; one submission).

Conditions:
Candidiasis, familial, 6 (CANDF6). Also called: Candidiasis, familial, 6, autosomal dominant. Identifiers: Orphanet 1334, MedGen C3151405, MONDO:0013503, OMIM 613956.

Submission:

Labcorp Genetics (formerly Invitae), Labcorp
Classification: Uncertain significance for Candidiasis, familial, 6. Last evaluated: 2024-04-17. Review status: criteria provided, single submitter. Criteria: Invitae Variant Classification Sherloc (09022015). Collection method: clinical testing. Allele origin: germline.
Comment: This sequence change replaces proline, which is neutral and non-polar, with serine, which is neutral and polar, at codon 9 of the IL17F protein (p.Pro9Ser). This variant is present in population databases (rs776886326, gnomAD 0.002%). This variant has not been reported in the literature in individuals affected with IL17F-related conditions. Algorithms developed to predict the effect of missense changes on protein structure and function output the following: SIFT: "Not Available"; PolyPhen-2: "Benign"; Align-GVGD: "Not Available". The serine amino acid residue is found in multiple mammalian species, which suggests that this missense change does not adversely affect protein function. In summary, the available evidence is currently insufficient to determine the role of this variant in disease. Therefore, it has been classified as a Variant of Uncertain Significance.